The following is an entry in ClinVar:

ClinVar aggregate classification (germline): Uncertain significance. Review status: criteria provided, multiple submitters, no conflicts (2 of 4 stars). 2 submissions from 2 submitters: Uncertain significance (2). Last evaluated 2024-12-14.

Conditions:
Inborn genetic diseases. Identifiers: MedGen C0950123, MeSH D030342.

Allele frequency attached by ClinVar (database versions not stated): TOPMed below 0.00001; ExAC 0.00001; gnomAD exomes 0.00001.
gnomAD v4.1: 5 of 1,613,774 alleles (0.00031%); highest among the groups gnomAD compares: Non-Finnish European, 0.00042%; no homozygotes.

Submissions (2):

Ambry Genetics
Classification: Uncertain significance for Inborn genetic diseases. Last evaluated: 2024-12-14. Review status: criteria provided, single submitter. Criteria: Ambry Variant Classification Scheme 2023. Collection method: clinical testing. Allele origin: germline.

Labcorp Genetics (formerly Invitae), Labcorp
Classification: Uncertain significance. Last evaluated: 2023-11-10. Review status: criteria provided, single submitter. Criteria: Invitae Variant Classification Sherloc (09022015). Collection method: clinical testing. Allele origin: germline.
Comment: This sequence change replaces phenylalanine, which is neutral and non-polar, with valine, which is neutral and non-polar, at codon 375 of the BEST1 protein (p.Phe375Val). This variant is present in population databases (rs756372609, gnomAD 0.003%). This variant has not been reported in the literature in individuals affected with BEST1-related conditions. ClinVar contains an entry for this variant (Variation ID: 1478822). Advanced modeling of protein sequence and biophysical properties (such as structural, functional, and spatial information, amino acid conservation, physicochemical variation, residue mobility, and thermodynamic stability) has been performed at Invitae for this missense variant, however the output from this modeling did not meet the statistical confidence thresholds required to predict the impact of this variant on BEST1 protein function. In summary, the available evidence is currently insufficient to determine the role of this variant in disease. Therefore, it has been classified as a Variant of Uncertain Significance.

NM_004183.4(BEST1):c.1123T>G (p.Phe375Val)

Gene: BEST1 (bestrophin 1; plus strand). Cytogenetic location: 11q12.3.
Variant type: single nucleotide variant.
Coding change: c.1123T>G on transcript NM_004183.4 (MANE Select); coding-DNA position 1123, T replaced by G.
Protein change: p.Phe375Val; replaces phenylalanine 375 with valine.
Molecular consequence: missense variant. On other transcripts: non-coding transcript variant (1).
Genome position (GRCh38, 1-based): chr11:61,962,277, T>G. VCF-style: chr11-61962277-T-G. GRCh37 (hg19) VCF-style: chr11-61729749-T-G.
Other names: c.943T>G, p.Phe315Val (NM_001139443.3, NM_001300787.2); c.862T>G, p.Phe288Val (NM_001300786.2); c.805T>G, p.Phe269Val (NM_001363591.3); c.*18T>G (NM_001363592.2); c.151T>G, p.Phe51Val (NM_001363593.3); short protein forms F315V, F288V, F375V, F51V, F269V.
Identifiers: ClinVar variation 1478822 (VCV001478822.8), dbSNP rs756372609, ClinGen allele CA6041002.